The following is an entry in ClinVar:

NM_017946.4(FKBP14):c.52A>G (p.Ile18Val)

Genes: FKBP14 (FKBP prolyl isomerase 14; minus strand), FKBP14-AS1 (FKBP14 antisense RNA 1; plus strand). Cytogenetic location: 7p14.3.
Variant type: single nucleotide variant.
Coding change: c.52A>G on transcript NM_017946.4 (MANE Select); coding-DNA position 52, A replaced by G.
Protein change: p.Ile18Val; replaces isoleucine 18 with valine.
Molecular consequence: missense variant. On other transcripts: non-coding transcript variant (2).
Genome position (GRCh38, 1-based): chr7:30,026,457, T>C on the plus strand (A>G on the coding strand, the complement: FKBP14 is on the minus strand). VCF-style: chr7-30026457-T-C. GRCh37 (hg19) VCF-style: chr7-30066073-T-C.
Other names: short protein forms I18V.
Identifiers: ClinVar variation 2049240 (VCV002049240.4), dbSNP rs1046480485, ClinGen allele CA367118039.

ClinVar aggregate classification (germline): Uncertain significance (1 of 4 stars; one submission).

Conditions:
Ehlers-Danlos syndrome, kyphoscoliotic type, 2. Also called: Ehlers-Danlos syndrome, kyphoscoliotic and deafness type; FKBP14-Kyphoscoliotic Ehlers-Danlos Syndrome; Ehlers-Danlos syndrome with progressive kyphoscoliosis, myopathy, and hearing loss. Identifiers: Orphanet 300179, MedGen C3281160, MONDO:0013800, OMIM 614557.

Submission:

Labcorp Genetics (formerly Invitae), Labcorp
Classification: Uncertain significance for Ehlers-Danlos syndrome, kyphoscoliotic type, 2. Last evaluated: 2021-12-19. Review status: criteria provided, single submitter. Criteria: Invitae Variant Classification Sherloc (09022015). Collection method: clinical testing. Allele origin: germline.
Comment: This sequence change replaces isoleucine, which is neutral and non-polar, with valine, which is neutral and non-polar, at codon 18 of the FKBP14 protein (p.Ile18Val). In summary, the available evidence is currently insufficient to determine the role of this variant in disease. Therefore, it has been classified as a Variant of Uncertain Significance. Algorithms developed to predict the effect of missense changes on protein structure and function (SIFT, PolyPhen-2, Align-GVGD) all suggest that this variant is likely to be tolerated. This variant has not been reported in the literature in individuals affected with FKBP14-related conditions. This variant is not present in population databases (gnomAD no frequency).